The following is an entry in ClinVar:

NM_000094.4(COL7A1):c.5772+1G>A

Gene: COL7A1 (collagen type VII alpha 1 chain; minus strand). Cytogenetic location: 3p21.31.
Variant type: single nucleotide variant.
Coding change: c.5772+1G>A on transcript NM_000094.4 (MANE Select); the canonical splice donor site of the intron after coding-DNA position 5772, G replaced by A.
Molecular consequence: splice donor variant.
Genome position (GRCh38, 1-based): chr3:48,576,399, C>T on the plus strand (G>A on the coding strand, the complement: COL7A1 is on the minus strand). VCF-style: chr3-48576399-C-T. GRCh37 (hg19) VCF-style: chr3-48613832-C-T.
Identifiers: ClinVar variation 1197417 (VCV001197417.3), dbSNP rs2107680218, ClinGen allele CA352666363.
Genomic context (GRCh38, chr3:48,576,399, plus strand): 5'-GTGCATGTGCACATGTGGGTGCTGTGGCTACCTGGGCATGTGGAAAAGGTGGGGGCCTCA[C>T]CTGCTCCCCTTTGGATCCAGTCTCCCCACGGTCACCCTGAAAACAAGAATGACCAGGTGG-3'

ClinVar aggregate classification (germline): Conflicting classifications of pathogenicity. Review status: criteria provided, conflicting classifications (1 of 4 stars). 2 submissions from 2 submitters: Pathogenic (1); Uncertain significance (1). Last evaluated 2019-06-05.

Conditions:
Recessive dystrophic epidermolysis bullosa (RDEB). Also called: DYSTROPHIC EPIDERMOLYSIS BULLOSA, AUTOSOMAL RECESSIVE; EPIDERMOLYSIS BULLOSA DYSTROPHICA, HALLOPEAU-SIEMENS TYPE; Hallopeau-Siemens Disease; Recessive DEB (RDEB); Epidermolysis Bullosa Distrophica Autosomal Recessive (RDEB); severe generalized recessive dystrophic epidermolysis bullosa. Identifiers: Orphanet 79408, Orphanet 79409, MedGen C0079474, MONDO:0009179, OMIM 226600.
Pretibial dystrophic epidermolysis bullosa. Also called: EPIDERMOLYSIS BULLOSA DYSTROPHICA, PRETIBIAL; Pretibial epidermolysis bullosa; Pretibial blistering. Identifiers: Orphanet 79410, MedGen C0432321, MONDO:0007552, OMIM 131850, HP:0012221.
Dominant dystrophic epidermolysis bullosa with absence of skin. Also called: EPIDERMOLYSIS BULLOSA WITH CONGENITAL LOCALIZED ABSENCE OF SKIN AND DEFORMITY OF NAILS; EPIDERMOLYSIS BULLOSA DYSTROPHICA, BART TYPE. Identifiers: MedGen C0268371, MONDO:0007557, OMIM 132000.
Epidermolysis bullosa pruriginosa. Also called: DEB, PRURIGINOSA; DYSTROPHIC EPIDERMOLYSIS BULLOSA PRURIGINOSA. Identifiers: Orphanet 89843, MedGen C1275114, MONDO:0011398, OMIM 604129.
Nonsyndromic congenital nail disorder 8. Also called: TOENAIL DYSTROPHY, ISOLATED. Identifiers: MedGen C1843761, MONDO:0011852, OMIM 607523.
Generalized dominant dystrophic epidermolysis bullosa (DDEB). Also called: DDEB, generalized; DDEB-gen; DYSTROPHIC EPIDERMOLYSIS BULLOSA, AUTOSOMAL DOMINANT; Epidermolysis bullosa dystrophica, autosomal dominant; Dominant DEB (DDEB). Identifiers: Orphanet 231568, MedGen C0432322, MONDO:0007549, OMIM 131750.
Transient bullous dermolysis of the newborn (TBDN). Also called: DYSTROPHIC EPIDERMOLYSIS BULLOSA, NEONATAL; EPIDERMOLYSIS BULLOSA DYSTROPHICA, NEONATAL FORM. Identifiers: Orphanet 79411, MedGen C1851573, MONDO:0007548, OMIM 131705.

Submissions (2):

GeneDx
Classification: Pathogenic. Last evaluated: 2019-06-05. Review status: criteria provided, single submitter. Criteria: GeneDx Variant Classification Process June 2021. Collection method: clinical testing. Allele origin: germline. Affected: yes.
Comment: Has not been previously published as pathogenic or benign to our knowledge; Destruction of canonical splice site variant in intron 69 predicted to result in an in-frame deletion of a critical region; multiple variants at this position and within the lost region have been published in the Human Gene Mutation Database (Stenson et al., 2014); Not observed in large population cohorts (Lek et al., 2016)

Juno Genomics, Hangzhou Juno Genomics, Inc
Classification: Uncertain significance for Transient bullous dermolysis of the newborn; Recessive dystrophic epidermolysis bullosa; Generalized dominant dystrophic epidermolysis bullosa; Dominant dystrophic epidermolysis bullosa with absence of skin; Nonsyndromic congenital nail disorder 8; Epidermolysis bullosa pruriginosa; Pretibial dystrophic epidermolysis bullosa. Review status: criteria provided, single submitter. Criteria: ACMG Guidelines, 2015. Collection method: clinical testing. Allele origin: germline. Affected: yes.
Comment: Absent from controls (or at extremely low frequency if recessive) in Genome Aggregation Database.;Null variant in a gene where loss of function (LOF) is a known mechanism of disease.